The following is an entry in ClinVar:

ClinVar aggregate classification (germline): Likely pathogenic (1 of 4 stars; one submission).

Conditions:
Mosaic variegated aneuploidy syndrome 1 (MVA1). Also called: Warburton-Anyane-Yeboa syndrome. Identifiers: Orphanet 1052, MedGen C1850343, MONDO:0009759, OMIM 257300.

Allele frequency attached by ClinVar (database versions not stated): gnomAD exomes below 0.00001; gnomAD 0.00001; TOPMed 0.00001; ESP Exome Variant Server 0.00008.
gnomAD v4.1: 2 of 1,597,792 alleles (0.00013%); highest among the groups gnomAD compares: Non-Finnish European, 0.00017%; no homozygotes.

Submission:

Labcorp Genetics (formerly Invitae), Labcorp
Classification: Likely pathogenic for Mosaic variegated aneuploidy syndrome 1. Last evaluated: 2025-04-23. Review status: criteria provided, single submitter. Criteria: Invitae Variant Classification Sherloc (09022015). Collection method: clinical testing. Allele origin: germline.
Comment: This sequence change affects an acceptor splice site in intron 17 of the BUB1B gene. It is expected to disrupt RNA splicing. Variants that disrupt the donor or acceptor splice site typically lead to a loss of protein function (PMID: 16199547), and loss-of-function variants in BUB1B are known to be pathogenic (PMID: 15475955, 21190457). This variant is not present in population databases (gnomAD no frequency). This variant has not been reported in the literature in individuals affected with BUB1B-related conditions. ClinVar contains an entry for this variant (Variation ID: 2170845). Algorithms developed to predict the effect of sequence changes on RNA splicing suggest that this variant may disrupt the consensus splice site. In summary, the currently available evidence indicates that the variant is pathogenic, but additional data are needed to prove that conclusively. Therefore, this variant has been classified as Likely Pathogenic.

Literature cited by the submitters: PubMed 16199547; PubMed 15475955; PubMed 21190457.

NM_001211.6(BUB1B):c.2285-2A>G

Gene: BUB1B (BUB1 mitotic checkpoint serine/threonine kinase B; plus strand). Cytogenetic location: 15q15.1.
Variant type: single nucleotide variant.
Coding change: c.2285-2A>G on transcript NM_001211.6 (MANE Select); the canonical splice acceptor site of the intron before coding-DNA position 2285, A replaced by G.
Molecular consequence: splice acceptor variant.
Genome position (GRCh38, 1-based): chr15:40,210,108, A>G. VCF-style: chr15-40210108-A-G. GRCh37 (hg19) VCF-style: chr15-40502309-A-G.
Identifiers: ClinVar variation 2170845 (VCV002170845.4), dbSNP rs147160147, ClinGen allele CA268801212.